The following is an entry in ClinVar:

NM_006088.6(TUBB4B):c.1334C>T (p.Ala445Val)

Gene: TUBB4B (tubulin beta 4B class IVb; plus strand). Cytogenetic location: 9q34.3.
Variant type: single nucleotide variant.
Coding change: c.1334C>T on transcript NM_006088.6 (MANE Select); coding-DNA position 1334, C replaced by T.
Protein change: p.Ala445Val; replaces alanine 445 with valine.
Molecular consequence: missense variant.
Genome position (GRCh38, 1-based): chr9:137,243,552, C>T. VCF-style: chr9-137243552-C-T. GRCh37 (hg19) VCF-style: chr9-140138004-C-T.
Other names: short protein forms A445V.
Identifiers: ClinVar variation 3353114 (VCV003353114.2).
Genomic context (GRCh38, chr9:137,243,552, plus strand): 5'-ACCAGGATGCCACAGCCGAGGAGGAGGGCGAGTTCGAGGAGGAGGCTGAGGAGGAGGTGG[C>T]CTAGAGCCTTCAGTCACTGGGGAAAGCAGGGAAGCAGTGTGAACTCTTTATTCACTCCCA-3'
Protein context (NP_006079.1, residues 435-445): EFEEEAEEEV[Ala445Val]

ClinVar aggregate classification (germline): Uncertain significance. Review status: criteria provided, single submitter (1 of 4 stars). 2 submissions from 2 submitters: Uncertain significance (1). 1 of the submissions does not count toward it. Last evaluated 2025-07-10.

Conditions:
TUBB4B-related disorder. Also called: TUBB4B-related condition.

Submissions (2):

Labcorp Genetics (formerly Invitae), Labcorp
Classification: Uncertain significance. Last evaluated: 2025-07-10. Review status: criteria provided, single submitter. Criteria: Invitae Variant Classification Sherloc (09022015). Collection method: clinical testing. Allele origin: germline.
Comment: This sequence change replaces alanine, which is neutral and non-polar, with valine, which is neutral and non-polar, at codon 445 of the TUBB4B protein (p.Ala445Val). The frequency data for this variant in the population databases is considered unreliable, as metrics indicate poor data quality at this position in the gnomAD database. This variant has not been reported in the literature in individuals affected with TUBB4B-related conditions. ClinVar contains an entry for this variant (Variation ID: 3353114). Experimental studies and prediction algorithms are not available or were not evaluated, and the functional significance of this variant is currently unknown. In summary, the available evidence is currently insufficient to determine the role of this variant in disease. Therefore, it has been classified as a Variant of Uncertain Significance.

PreventionGenetics, part of Exact Sciences
Classification: Uncertain significance for TUBB4B-related condition. Last evaluated: 2024-09-07. Review status: no assertion criteria provided. Collection method: clinical testing. Allele origin: germline. Not counted in ClinVar's aggregate classification.
Comment: The TUBB4B c.1334C>T variant is predicted to result in the amino acid substitution p.Ala445Val. To our knowledge, this variant has not been reported in the literature. This variant is reported in 0.0085% of alleles in individuals of Latino descent in gnomAD. At this time, the clinical significance of this variant is uncertain due to the absence of conclusive functional and genetic evidence.